The following is an entry in ClinVar:

ClinVar aggregate classification (germline): Likely benign (0 of 4 stars; one submission).

Conditions:
MYH3-related disorder. Also called: MYH3-Related Disorders; MYH3-related condition. Identifiers: MedGen CN239329.

Submission:

PreventionGenetics, part of Exact Sciences
Classification: Likely benign for MYH3-related condition. Last evaluated: 2022-03-21. Review status: no assertion criteria provided. Collection method: clinical testing. Allele origin: germline.
Comment: This variant is classified as likely benign based on ACMG/AMP sequence variant interpretation guidelines (Richards et al. 2015 PMID: 25741868, with internal and published modifications).

NM_002470.4(MYH3):c.1411-389dup

Gene: MYH3 (myosin heavy chain 3; minus strand). Cytogenetic location: 17p13.1.
Variant type: Duplication.
Coding change: c.1411-389dup on transcript NM_002470.4 (MANE Select); 389 bases into the intron before coding-DNA position 1411, one base duplicated (A; older notation c.1411-389dupA).
Molecular consequence: intron variant.
Genome position (GRCh38, 1-based): chr17:10,643,385, T duplicated on the plus strand (A on the coding strand, the reverse complement: MYH3 is on the minus strand); the first of 10 consecutive T bases (chr17:10,643,385-10,643,394); duplicating any one gives the same sequence. VCF-style (leftmost placement, unchanged base first): chr17-10643384-C-CT. GRCh37 (hg19) VCF-style: chr17-10546701-C-CT.
Identifiers: ClinVar variation 3030503 (VCV003030503.2), dbSNP rs569234224, ClinGen allele CA287788347.